The following is an entry in ClinVar:

NM_004064.5(CDKN1B):c.362C>T (p.Ala121Val)

Gene: CDKN1B (cyclin dependent kinase inhibitor 1B; plus strand). Cytogenetic location: 12p13.1.
Variant type: single nucleotide variant.
Coding change: c.362C>T on transcript NM_004064.5 (MANE Select); coding-DNA position 362, C replaced by T.
Protein change: p.Ala121Val; replaces alanine 121 with valine.
Molecular consequence: missense variant.
Genome position (GRCh38, 1-based): chr12:12,718,201, C>T. VCF-style: chr12-12718201-C-T. GRCh37 (hg19) VCF-style: chr12-12871135-C-T.
Other names: short protein forms A121V.
Identifiers: ClinVar variation 404264 (VCV000404264.24), dbSNP rs201685429, ClinGen allele CA6457475.
Genomic context (GRCh38, chr12:12,718,201, plus strand): 5'-TGCCGGCGCAGGAGAGCCAGGATGTCAGCGGGAGCCGCCCGGCGGCGCCTTTAATTGGGG[C>T]TCCGGCTAACTCTGAGGACACGCATTTGGTGGACCCAAAGACTGATCCGTCGGACAGCCA-3'
Protein context (NP_004055.1, residues 111-131): GSRPAAPLIG[Ala121Val]PANSEDTHLV

ClinVar aggregate classification (germline): Conflicting classifications of pathogenicity. Review status: criteria provided, conflicting classifications (1 of 4 stars). 8 submissions from 8 submitters: Uncertain significance (7); Likely benign (1). Last evaluated 2026-07-14.

Conditions:
CDKN1B-related disorder. Also called: CDKN1B-related condition.
Hereditary cancer-predisposing syndrome. Also called: Neoplastic Syndromes, Hereditary; Tumor predisposition; Hereditary Cancer Syndrome; Hereditary neoplastic syndrome. Identifiers: Orphanet 140162, MedGen C0027672, MeSH D009386, MONDO:0015356.
Multiple endocrine neoplasia type 4. Also called: MULTIPLE ENDOCRINE NEOPLASIA, TYPE IV. Identifiers: Orphanet 276152, MedGen C1970712, MONDO:0012552, OMIM 610755.

Allele frequency attached by ClinVar (database versions not stated): ExAC 0.00002; gnomAD exomes 0.00003 and 0.00004; gnomAD 0.00014 and 0.00016; 1000 Genomes Project 30x 0.00016; TOPMed 0.00026.
gnomAD v4.1: 76 of 1,612,932 alleles (0.0047%); highest among the groups gnomAD compares: Admixed American, 0.033%; no homozygotes.

Submissions (8):

PreventionGenetics, part of Exact Sciences
Classification: Uncertain significance for CDKN1B-related condition. Last evaluated: 2026-07-14. Review status: criteria provided, single submitter. Criteria: ACMG Guidelines, 2015. Collection method: clinical testing. Allele origin: germline.
Comment: The CDKN1B c.362C>T variant is predicted to result in the amino acid substitution p.Ala121Val. This variant has not been reported in the literature in individuals with CDKN1B-related conditions. This variant is reported in 0.0083% of alleles in individuals of African descent in gnomAD and has conflicting interpretations of uncertain significance and likely benign in ClinVar (Variation ID: 404264). At this time, the clinical significance of this variant is uncertain due to the absence of conclusive functional and genetic evidence.

Labcorp Genetics (formerly Invitae), Labcorp
Classification: Uncertain significance for Multiple endocrine neoplasia type 4. Last evaluated: 2026-02-03. Review status: criteria provided, single submitter. Criteria: Invitae Variant Classification Sherloc (09022015). Collection method: clinical testing. Allele origin: germline.
Comment: This sequence change replaces alanine, which is neutral and non-polar, with valine, which is neutral and non-polar, at codon 121 of the CDKN1B protein (p.Ala121Val). This variant is present in population databases (rs201685429, gnomAD 0.009%). This variant has not been reported in the literature in individuals affected with CDKN1B-related conditions. ClinVar contains an entry for this variant (Variation ID: 404264). An algorithm developed to predict the effect of missense changes on protein structure and function (PolyPhen-2) suggests that this variant is likely to be tolerated. In summary, the available evidence is currently insufficient to determine the role of this variant in disease. Therefore, it has been classified as a Variant of Uncertain Significance.

Quest Diagnostics Nichols Institute San Juan Capistrano
Classification: Uncertain significance. Last evaluated: 2024-05-28. Review status: criteria provided, single submitter. Criteria: Quest Diagnostics criteria. Collection method: clinical testing. Allele origin: unknown.
Comment: The CDKN1B c.362C>T (p.Ala121Val) variant has been reported in the published literature in an individual with breast cancer (PMID: 33140857 (2021)) and in an individual with myeloid malignancy (PMID: 31911633 (2020)). The frequency of this variant in the general population, 0.000083 (2/24104 chromosomes (Genome Aggregation Database)), is uninformative in the assessment of its pathogenicity. Analysis of this variant using bioinformatics tools for the prediction of the effect of amino acid changes on protein structure and function yielded predictions that this variant is benign. Based on the available information, we are unable to determine the clinical significance of this variant.

GeneDx
Classification: Uncertain significance. Last evaluated: 2024-03-15. Review status: criteria provided, single submitter. Criteria: GeneDx Variant Classification Process June 2021. Collection method: clinical testing. Allele origin: germline.
Comment: In silico analysis supports that this missense variant does not alter protein structure/function; Has not been previously published as pathogenic or benign to our knowledge; This variant is associated with the following publications: (PMID: 33140857)

Baylor Genetics
Classification: Uncertain significance for Multiple endocrine neoplasia type 4. Last evaluated: 2024-02-26. Review status: criteria provided, single submitter. Criteria: ACMG Guidelines, 2015. Collection method: clinical testing. Allele origin: unknown.

Fulgent Genetics
Classification: Uncertain significance for Multiple endocrine neoplasia type 4. Last evaluated: 2024-01-31. Review status: criteria provided, single submitter. Criteria: ACMG Guidelines, 2015. Collection method: clinical testing. Allele origin: germline.

Ambry Genetics
Classification: Likely benign for Hereditary cancer-predisposing syndrome. Last evaluated: 2023-03-30. Review status: criteria provided, single submitter. Criteria: Ambry Variant Classification Scheme 2023. Collection method: clinical testing. Allele origin: germline.

St. Jude Molecular Pathology, St. Jude Children's Research Hospital
Classification: Uncertain significance for Multiple endocrine neoplasia type 4. Last evaluated: 2022-09-01. Review status: criteria provided, single submitter. Criteria: St. Jude Assertion Criteria 2020. Collection method: clinical testing. Allele origin: germline.
Comment: The CDKN1B c.362C>T (p.Ala121Val) missense change has a maximum subpopulation frequency of 0.0083% in gnomAD v2.1.1. The in silico tool REVEL predicts a benign effect on protein function, but to our knowledge this prediction has not been confirmed by functional studies. To our knowledge, this variant has not been reported in the literature in individuals with multiple endocrine neoplasia type 4. In summary, the evidence currently available is insufficient to determine the clinical significance of this variant. It has therefore been classified as of uncertain significance.

Literature cited by the submitters: PubMed 33140857 (cited by Quest Diagnostics Nichols Institute San Juan Capistrano); PubMed 31721781 (cited by Quest Diagnostics Nichols Institute San Juan Capistrano); PubMed 31911633 (cited by Quest Diagnostics Nichols Institute San Juan Capistrano).